The following is an entry in ClinVar:

ClinVar aggregate classification (germline): Likely benign (0 of 4 stars; one submission).

Conditions:
CNP-related disorder. Also called: CNP-related condition.

Allele frequency attached by ClinVar (database versions not stated): 1000 Genomes Project 0.00020; ExAC 0.00028; 1000 Genomes Project 30x 0.00031; TOPMed 0.00093; ESP Exome Variant Server 0.00163.
gnomAD v4.1: 222 of 1,614,134 alleles (0.014%); highest among the groups gnomAD compares: African/African-American, 0.28%; no homozygotes.

Submission:

PreventionGenetics, part of Exact Sciences
Classification: Likely benign for CNP-related condition. Last evaluated: 2023-02-03. Review status: no assertion criteria provided. Collection method: clinical testing. Allele origin: germline.
Comment: This variant is classified as likely benign based on ACMG/AMP sequence variant interpretation guidelines (Richards et al. 2015 PMID: 25741868, with internal and published modifications).

NM_033133.5(CNP):c.561G>A (p.Pro187=)

Gene: CNP (2'',3''-cyclic nucleotide 3'' phosphodiesterase; plus strand). Cytogenetic location: 17q21.2.
Variant type: single nucleotide variant.
Coding change: c.561G>A on transcript NM_033133.5 (MANE Select); coding-DNA position 561, G replaced by A.
Protein change: p.Pro187=; no amino-acid change (proline 187 retained).
Molecular consequence: synonymous variant.
Genome position (GRCh38, 1-based): chr17:41,968,625, G>A. VCF-style: chr17-41968625-G-A. GRCh37 (hg19) VCF-style: chr17-40120643-G-A.
Other names: c.501G>A, p.Pro167= (NM_001330216.2).
Identifiers: ClinVar variation 3051467 (VCV003051467.2), dbSNP rs377381620, ClinGen allele CA8569512.
Genomic context (GRCh38, chr17:41,968,625, plus strand): 5'-GCAGCTGTCGGCTGATGACCTGAAGAAGCTGAAGCCTGGGCTGGAGAAGGACTTCCTGCC[G>A]CTCTACTTCGGCTGGTTCCTGACCAAGAAGAGCTCTGAGACCCTCCGCAAAGCCGGCCAG-3'
Protein context (NP_149124.3, residues 177-197): LKPGLEKDFL[Pro187=]LYFGWFLTKK